The following is an entry in ClinVar:

NM_001040142.2(SCN2A):c.4414A>G (p.Ile1472Val)

Gene: SCN2A (sodium voltage-gated channel alpha subunit 2; plus strand). Cytogenetic location: 2q24.3.
Variant type: single nucleotide variant.
Coding change: c.4414A>G on transcript NM_001040142.2 (MANE Select); coding-DNA position 4414, A replaced by G.
Protein change: p.Ile1472Val; replaces isoleucine 1472 with valine.
Molecular consequence: missense variant.
Genome position (GRCh38, 1-based): chr2:165,380,697, A>G. VCF-style: chr2-165380697-A-G. GRCh37 (hg19) VCF-style: chr2-166237207-A-G.
Other names: c.4414A>G, p.Ile1472Val (NM_001040143.2, NM_001371246.1, NM_001371247.1 and 1 more transcripts); short protein forms I1472V.
Identifiers: ClinVar variation 410983 (VCV000410983.13), dbSNP rs368657915, ClinGen allele CA1940273.

ClinVar aggregate classification (germline): Uncertain significance. Review status: criteria provided, multiple submitters, no conflicts (2 of 4 stars). 3 submissions from 3 submitters: Uncertain significance (3). Last evaluated 2025-12-05.

Conditions:
Seizures, benign familial infantile, 3 (BFIS3). Also called: CONVULSIONS, BENIGN FAMILIAL INFANTILE, 3; Familial neonatal seizures. Identifiers: Orphanet 140927, Orphanet 306, MedGen C1843140, MONDO:0011904, OMIM 607745.
Developmental and epileptic encephalopathy, 11 (DEE11). Also called: Early infantile epileptic encephalopathy 11. Identifiers: Orphanet 1934, MedGen C3150987, MONDO:0013388, OMIM 613721.
SCN2A-related disorder. Also called: SCN2A-related condition; SCN2A-related disorders. Identifiers: MedGen CN382226, MONDO:1060245.

Allele frequency attached by ClinVar (database versions not stated): gnomAD 0.00001; gnomAD exomes 0.00002 and below 0.00001; ESP Exome Variant Server 0.00008; TOPMed 0.00002; ExAC 0.00003.
gnomAD v4.1: 5 of 1,590,606 alleles (0.00031%); highest among the groups gnomAD compares: Admixed American, 0.0084%; no homozygotes.

Submissions (3):

Labcorp Genetics (formerly Invitae), Labcorp
Classification: Uncertain significance for Seizures, benign familial infantile, 3; Developmental and epileptic encephalopathy, 11. Last evaluated: 2025-12-05. Review status: criteria provided, single submitter. Criteria: Invitae Variant Classification Sherloc (09022015). Collection method: clinical testing. Allele origin: germline.
Comment: This sequence change replaces isoleucine, which is neutral and non-polar, with valine, which is neutral and non-polar, at codon 1472 of the SCN2A protein (p.Ile1472Val). This variant is present in population databases (rs368657915, gnomAD 0.009%). This variant has not been reported in the literature in individuals affected with SCN2A-related conditions. ClinVar contains an entry for this variant (Variation ID: 410983). Invitae Evidence Modeling of protein sequence and biophysical properties (such as structural, functional, and spatial information, amino acid conservation, physicochemical variation, residue mobility, and thermodynamic stability) has been performed for this missense variant. However, the output from this modeling did not meet the statistical confidence thresholds required to predict the impact of this variant on SCN2A protein function. In summary, the available evidence is currently insufficient to determine the role of this variant in disease. Therefore, it has been classified as a Variant of Uncertain Significance.

GeneDx
Classification: Uncertain significance. Last evaluated: 2025-10-10. Review status: criteria provided, single submitter. Criteria: GeneDx Variant Classification Process June 2021. Collection method: clinical testing. Allele origin: germline. Affected: yes.
Comment: In silico analysis suggests that this missense variant does not alter protein structure/function; This substitution is predicted to be in the cytoplasmic loop between the third and fourth homologous domains; Has not been previously published as pathogenic or benign to our knowledge

3billion
Classification: Uncertain significance for SCN2A-related disorder. Last evaluated: 2025-03-12. Review status: criteria provided, single submitter. Criteria: ACMG Guidelines, 2015. Collection method: clinical testing. Allele origin: germline. Affected: yes.